The following is an entry in ClinVar:

NM_004958.4(MTOR):c.3764T>G (p.Met1255Arg)

Gene: MTOR (mechanistic target of rapamycin kinase; minus strand). Cytogenetic location: 1p36.22.
Variant type: single nucleotide variant.
Coding change: c.3764T>G on transcript NM_004958.4 (MANE Select); coding-DNA position 3764, T replaced by G.
Protein change: p.Met1255Arg; replaces methionine 1255 with arginine.
Molecular consequence: missense variant.
Genome position (GRCh38, 1-based): chr1:11,209,349, A>C on the plus strand (T>G on the coding strand, the complement: MTOR is on the minus strand). VCF-style: chr1-11209349-A-C. GRCh37 (hg19) VCF-style: chr1-11269406-A-C.
Other names: c.3764T>G, p.Met1255Arg (NM_001386500.1); c.2516T>G, p.Met839Arg (NM_001386501.1); short protein forms M839R, M1255R.
Identifiers: ClinVar variation 3399626 (VCV003399626.3).

ClinVar aggregate classification (germline): Uncertain significance. Review status: criteria provided, multiple submitters, no conflicts (2 of 4 stars). 3 submissions from 3 submitters: Uncertain significance (3). Last evaluated 2024-11-21.

Conditions:
Inborn genetic diseases. Identifiers: MedGen C0950123, MeSH D030342.

Submissions (3):

Ambry Genetics
Classification: Uncertain significance for Inborn genetic diseases. Last evaluated: 2024-11-21. Review status: criteria provided, single submitter. Criteria: Ambry Variant Classification Scheme 2023. Collection method: clinical testing. Allele origin: germline.

Blueprint Genetics
Classification: Uncertain significance. Last evaluated: 2024-10-25. Review status: criteria provided, single submitter. Criteria: ACMG Guidelines, 2015. Collection method: clinical testing. Allele origin: germline.

GeneDx
Classification: Uncertain significance. Last evaluated: 2024-10-15. Review status: criteria provided, single submitter. Criteria: GeneDx Variant Classification Process June 2021. Collection method: clinical testing. Allele origin: germline. Affected: yes.
Comment: Not observed at significant frequency in large population cohorts (gnomAD); In silico analysis supports that this missense variant has a deleterious effect on protein structure/function; Has not been previously published as pathogenic or benign to our knowledge